The following is an entry in ClinVar:

ClinVar aggregate classification (germline): Pathogenic (1 of 4 stars; one submission).

Conditions:
Fabry disease. Also called: ALPHA-GALACTOSIDASE A DEFICIENCY; ANDERSON-FABRY DISEASE; CERAMIDE TRIHEXOSIDASE DEFICIENCY; GLA DEFICIENCY; HEREDITARY DYSTOPIC LIPIDOSIS; Angiokeratoma corporis diffusum. Identifiers: Orphanet 324, MedGen C0002986, MONDO:0010526, OMIM 301500, HP:0001071. Disease mechanism: Fabry disease is due to inactivating mutations in the X-linked GLA gene resulting in deficiency of the enzyme Alpha Galactosidase-A., loss of function.

Submission:

Genomenon, Inc
Classification: Pathogenic for Fabry disease. Last evaluated: 2026-09-08. Review status: criteria provided, single submitter. Criteria: Genomenon Sequence Variant Interpretation Standards - Updated. Collection method: curation. Allele origin: germline. Affected: yes.
Comment: GLA p.Trp349Ter (c.1045_1046insA) is a nonsense variant that introduces a premature stop codon at amino acid position 349 and is predicted to result in a truncated or absent protein product. This variant has been observed in at least one proband with clinical features consistent with Fabry disease (PMID:33527381). The variant was found to segregate with disease in at least one affected family (PMID:33527381). Functional or patient cell studies have been reported (PMID:33527381). It is absent or not present at a significant frequency in gnomAD. In conclusion, we classify GLA p.Trp349Ter (c.1045_1046insA) as a pathogenic variant.

Literature cited by the submitters: PubMed 33527381.

NM_000169.3(GLA):c.1045_1046insA (p.Trp349Ter)

Genes: GLA (galactosidase alpha; minus strand), RPL36A-HNRNPH2 (RPL36A-HNRNPH2 readthrough; plus strand). Cytogenetic location: Xq22.1.
Variant type: Insertion.
Coding change: c.1045_1046insA on transcript NM_000169.3 (MANE Select); coding-DNA positions 1045 to 1046, A inserted.
Protein change: p.Trp349Ter; replaces tryptophan 349 with a stop codon.
Molecular consequence: nonsense. On other transcripts: non-coding transcript variant (3), intron variant (2).
Genome position: GRCh38 VCF-style: chrX-101398053-C-CT. GRCh37 (hg19) VCF-style: chrX-100653041-C-CT.
Other names: c.1168_1169insA, p.Trp390Ter (NM_001406747.1); c.300+2596_300+2597insT (NM_001199973.2); c.177+6231_177+6232insT (NM_001199974.2); short protein forms W349*, W390*.
Identifiers: ClinVar variation 4087192 (VCV004087192.2).